The following is an entry in ClinVar:

NM_007294.4(BRCA1):c.1231G>C (p.Asp411His)

Gene: BRCA1 (BRCA1 DNA repair associated; minus strand). Cytogenetic location: 17q21.31.
Variant type: single nucleotide variant.
Coding change: c.1231G>C on transcript NM_007294.4 (MANE Select); coding-DNA position 1231, G replaced by C.
Protein change: p.Asp411His; replaces aspartic acid 411 with histidine.
Molecular consequence: missense variant. On other transcripts: intron variant (137).
Genome position (GRCh38, 1-based): chr17:43,094,300, C>G on the plus strand (G>C on the coding strand, the complement: BRCA1 is on the minus strand). VCF-style: chr17-43094300-C-G. GRCh37 (hg19) VCF-style: chr17-41246317-C-G.
Other names: c.1018G>C, p.Asp340His (NM_001407571.1, NM_001407853.1, NM_001407894.1 and 9 more transcripts); c.1231G>C, p.Asp411His (NM_001407581.1, NM_001407582.1, NM_001407583.1 and 30 more transcripts); c.1228G>C, p.Asp410His (NM_001407587.1, NM_001407590.1, NM_001407591.1 and 22 more transcripts); c.1222G>C, p.Asp408His (NM_001407646.1, NM_001407647.1); c.1108G>C, p.Asp370His (NM_001407648.1, NM_001407664.1, NM_001407665.1 and 19 more transcripts); c.1105G>C, p.Asp369His (NM_001407649.1, NM_001407670.1, NM_001407671.1 and 11 more transcripts); c.1153G>C, p.Asp385His (NM_001407653.1, NM_001407654.1, NM_001407655.1 and 4 more transcripts); c.1150G>C, p.Asp384His (NM_001407659.1, NM_001407660.1, NM_001407661.1 and 1 more transcripts); and 40 more; short protein forms D364H, D411H, D300H, D341H, D344H, D370H, D115H, D299H.
Identifiers: ClinVar variation 929252 (VCV000929252.8), dbSNP rs80357301, ClinGen allele CA10599591.

ClinVar aggregate classification (germline): Conflicting classifications of pathogenicity. Review status: criteria provided, conflicting classifications (1 of 4 stars). 4 submissions from 4 submitters: Uncertain significance (3); Likely benign (1). Last evaluated 2025-11-26.

Conditions:
Hereditary cancer-predisposing syndrome. Also called: Neoplastic Syndromes, Hereditary; Hereditary Cancer Syndrome; Tumor predisposition; Hereditary neoplastic syndrome. Identifiers: Orphanet 140162, MedGen C0027672, MeSH D009386, MONDO:0015356.
Hereditary breast ovarian cancer syndrome. Also called: Hereditary breast and ovarian cancer syndrome; Hereditary breast and ovarian cancer syndrome (HBOC); Hereditary breast and/or ovarian cancer syndrome; Hereditary breast and ovarian cancer; Breast and ovarian cancer; BRCA1- and BRCA2-Associated Hereditary Breast and Ovarian Cancer. Identifiers: Orphanet 145, MedGen C0677776, MeSH D061325, MONDO:0003582. Disease mechanism: loss of function.

gnomAD v4.1: 1 of 1,614,150 alleles (0.000062%); highest among the groups gnomAD compares: East Asian, 0.0022%; no homozygotes.

Submissions (4):

Ambry Genetics
Classification: Uncertain significance for Hereditary cancer-predisposing syndrome. Last evaluated: 2025-11-26. Review status: criteria provided, single submitter. Criteria: Ambry Variant Classification Scheme 2023. Collection method: clinical testing. Allele origin: germline.
Comment: The p.D411H variant (also known as c.1231G>C), located in coding exon 9 of the BRCA1 gene, results from a G to C substitution at nucleotide position 1231. The aspartic acid at codon 411 is replaced by histidine, an amino acid with similar properties. This amino acid position is poorly conserved in available vertebrate species. In addition, the in silico prediction for this alteration is inconclusive. Based on the available evidence, the clinical significance of this variant remains unclear.

Labcorp Genetics (formerly Invitae), Labcorp
Classification: Uncertain significance for Hereditary breast ovarian cancer syndrome. Last evaluated: 2024-10-06. Review status: criteria provided, single submitter. Criteria: Invitae Variant Classification Sherloc (09022015). Collection method: clinical testing. Allele origin: germline.
Comment: This sequence change replaces aspartic acid, which is acidic and polar, with histidine, which is basic and polar, at codon 411 of the BRCA1 protein (p.Asp411His). This variant is not present in population databases (gnomAD no frequency). This missense change has been observed in individual(s) with breast cancer (PMID: 30287823). ClinVar contains an entry for this variant (Variation ID: 929252). Invitae Evidence Modeling of protein sequence and biophysical properties (such as structural, functional, and spatial information, amino acid conservation, physicochemical variation, residue mobility, and thermodynamic stability) indicates that this missense variant is not expected to disrupt BRCA1 protein function with a negative predictive value of 80%. In summary, the available evidence is currently insufficient to determine the role of this variant in disease. Therefore, it has been classified as a Variant of Uncertain Significance.

University of Washington Department of Laboratory Medicine, University of Washington
Classification: Likely benign for Hereditary cancer-predisposing syndrome. Last evaluated: 2023-03-23. Review status: criteria provided, single submitter. Criteria: Dines et al. (Genet Med. 2020). Collection method: curation. Allele origin: germline.
Comment: Missense variant in a coldspot region where missense variants are very unlikely to be pathogenic (PMID:31911673).

BRCA1 coldspot (exon 11 using historical exon numbering). Reclassification based on statistical prior probability

Women's Health and Genetics/Laboratory Corporation of America, LabCorp
Classification: Uncertain significance. Last evaluated: 2019-11-08. Review status: criteria provided, single submitter. Criteria: LabCorp Variant Classification Summary - May 2015. Collection method: clinical testing. Allele origin: germline.
Comment: Variant summary: BRCA1 c.1231G>C (p.Asp411His) results in a non-conservative amino acid change located in the BRCA1, serine-rich domain (IPR025994) of the encoded protein sequence. Four of five in-silico tools predict a benign effect of the variant on protein function. The variant allele was found at a frequency of 3.4e-06 in 298286 control chromosomes (gnomAD and publication). The available data on variant occurrences in the general population are insufficient to allow any conclusion about variant significance. c.1231G>C has been reported in the literature in one individual affected with breast cancer and one control (Momozawa_2018). The report does not provide unequivocal conclusions about association of the variant with Hereditary Breast and Ovarian Cancer. Co-occurrences with other pathogenic variant(s) have been reported (BRCA1 c.3770_3771delAG), providing supporting evidence for a benign role. To our knowledge, no experimental evidence demonstrating an impact on protein function has been reported. No clinical diagnostic laboratories have submitted clinical-significance assessments for this variant to ClinVar after 2014. Based on the evidence outlined above, the variant was classified as VUS - possibly benign.

Literature cited by the submitters: PubMed 30287823 (cited by Labcorp Genetics (formerly Invitae), Labcorp and Women's Health and Genetics/Laboratory Corporation of America, LabCorp).